The following is an entry in ClinVar:

NM_017882.3(CLN6):c.355A>G (p.Ile119Val)

Gene: CLN6 (CLN6 transmembrane ER protein; minus strand). Cytogenetic location: 15q23.
Variant type: single nucleotide variant.
Coding change: c.355A>G on transcript NM_017882.3 (MANE Select); coding-DNA position 355, A replaced by G.
Protein change: p.Ile119Val; replaces isoleucine 119 with valine.
Molecular consequence: missense variant.
Genome position (GRCh38, 1-based): chr15:68,211,806, T>C on the plus strand (A>G on the coding strand, the complement: CLN6 is on the minus strand). VCF-style: chr15-68211806-T-C. GRCh37 (hg19) VCF-style: chr15-68504144-T-C.
Other names: short protein forms I119V.
Identifiers: ClinVar variation 844641 (VCV000844641.7), dbSNP rs759241838, ClinGen allele CA7630616.
Genomic context (GRCh38, chr15:68,211,806, plus strand): 5'-AGAGCAGGCGGTGGTTGACAGAGTCACCCACCAGGTGGATGCTGGCACCCATGATGAAGA[T>C]GATGATGCTCACGTACGTGATGGAGCGTGGCAGGGTGCGGGGGGACCGCTCGATGAGCTG-3'
Protein context (NP_060352.1, residues 109-129): PRSITYVSII[Ile119Val]FIMGASIHLV

ClinVar aggregate classification (germline): Uncertain significance (1 of 4 stars; one submission).

Conditions:
Neuronal ceroid lipofuscinosis. Also called: Neuronal Ceroid Lipofuscinoses. Identifiers: Orphanet 216, Orphanet 79263, MedGen C0027877, MONDO:0016295. Disease mechanism: loss of function.

Allele frequency attached by ClinVar (database versions not stated): gnomAD 0.00001; TOPMed 0.00001.
gnomAD v4.1: 17 of 1,613,598 alleles (0.0011%); highest among the groups gnomAD compares: Non-Finnish European, 0.0014%; no homozygotes.

Submission:

Labcorp Genetics (formerly Invitae), Labcorp
Classification: Uncertain significance for Neuronal ceroid lipofuscinosis. Last evaluated: 2024-10-22. Review status: criteria provided, single submitter. Criteria: Invitae Variant Classification Sherloc (09022015). Collection method: clinical testing. Allele origin: germline.
Comment: This sequence change replaces isoleucine, which is neutral and non-polar, with valine, which is neutral and non-polar, at codon 119 of the CLN6 protein (p.Ile119Val). This variant is present in population databases (rs759241838, gnomAD 0.003%). This variant has not been reported in the literature in individuals affected with CLN6-related conditions. ClinVar contains an entry for this variant (Variation ID: 844641). Invitae Evidence Modeling of protein sequence and biophysical properties (such as structural, functional, and spatial information, amino acid conservation, physicochemical variation, residue mobility, and thermodynamic stability) indicates that this missense variant is not expected to disrupt CLN6 protein function with a negative predictive value of 80%. In summary, the available evidence is currently insufficient to determine the role of this variant in disease. Therefore, it has been classified as a Variant of Uncertain Significance.